The following is an entry in ClinVar:

ClinVar aggregate classification (germline): Uncertain significance. Review status: criteria provided, multiple submitters, no conflicts (2 of 4 stars). 2 submissions from 2 submitters: Uncertain significance (2). Last evaluated 2026-01-01.

Conditions:
Inborn genetic diseases. Identifiers: MedGen C0950123, MeSH D030342.

gnomAD v4.1: 15 of 1,614,038 alleles (0.00093%); highest among the groups gnomAD compares: Non-Finnish European, 0.0011%; no homozygotes.

Submissions (2):

Labcorp Genetics (formerly Invitae), Labcorp
Classification: Uncertain significance. Last evaluated: 2026-01-01. Review status: criteria provided, single submitter. Criteria: Invitae Variant Classification Sherloc (09022015). Collection method: clinical testing. Allele origin: germline.
Comment: This sequence change replaces asparagine, which is neutral and polar, with serine, which is neutral and polar, at codon 1707 of the ITPR1 protein (p.Asn1707Ser). This variant is present in population databases (no rsID available, gnomAD 0.0009%). This variant has not been reported in the literature in individuals affected with ITPR1-related conditions. ClinVar contains an entry for this variant (Variation ID: 3530864). An algorithm developed to predict the effect of missense changes on protein structure and function (PolyPhen-2) suggests that this variant is likely to be tolerated. In summary, the available evidence is currently insufficient to determine the role of this variant in disease. Therefore, it has been classified as a Variant of Uncertain Significance.

Ambry Genetics
Classification: Uncertain significance for Inborn genetic diseases. Last evaluated: 2024-10-08. Review status: criteria provided, single submitter. Criteria: Ambry Variant Classification Scheme 2023. Collection method: clinical testing. Allele origin: germline.

NM_001378452.1(ITPR1):c.5309A>G (p.Asn1770Ser)

Gene: ITPR1 (inositol 1,4,5-trisphosphate receptor type 1; plus strand). Cytogenetic location: 3p26.1.
Variant type: single nucleotide variant.
Coding change: c.5309A>G on transcript NM_001378452.1 (MANE Select); coding-DNA position 5309, A replaced by G.
Protein change: p.Asn1770Ser; replaces asparagine 1770 with serine.
Molecular consequence: missense variant.
Genome position (GRCh38, 1-based): chr3:4,733,176, A>G. VCF-style: chr3-4733176-A-G. GRCh37 (hg19) VCF-style: chr3-4774860-A-G.
Other names: c.5165A>G, p.Asn1722Ser (NM_001099952.4); c.5264A>G, p.Asn1755Ser (NM_001168272.2); c.5120A>G, p.Asn1707Ser (NM_002222.7); short protein forms N1707S, N1755S, N1770S, N1722S.
Identifiers: ClinVar variation 3530864 (VCV003530864.2).
Genomic context (GRCh38, chr3:4,733,176, plus strand): 5'-ACCGTTACTATGGAAACGTCAGACCTTCGGGACGAAGAGAGAGCCTTACCAGCTTTGGCA[A>G]TGGCCCACTGTCAGCAGGAGGACCCGGCAAGCCCGGGGGAGGAGGTACGCTTTGTGGTGT-3'
Protein context (NP_001365381.1, residues 1760-1780): GRRESLTSFG[Asn1770Ser]GPLSAGGPGK